The following is an entry in ClinVar:

NM_000543.5(SMPD1):c.1154A>G (p.Asn385Ser)

Gene: SMPD1 (sphingomyelin phosphodiesterase 1; plus strand). Cytogenetic location: 11p15.4.
Variant type: single nucleotide variant.
Coding change: c.1154A>G on transcript NM_000543.5 (MANE Select); coding-DNA position 1154, A replaced by G.
Protein change: p.Asn385Ser; replaces asparagine 385 with serine.
Molecular consequence: missense variant. On other transcripts: non-coding transcript variant (1), intron variant (1).
Genome position (GRCh38, 1-based): chr11:6,393,278, A>G. VCF-style: chr11-6393278-A-G. GRCh37 (hg19) VCF-style: chr11-6414508-A-G.
Other names: N383S; c.1151A>G, p.Asn384Ser (NM_001007593.3); c.1154A>G, p.Asn385Ser (NM_001318087.2); c.233A>G, p.Asn78Ser (NM_001318088.2); c.1132-339A>G (NM_001365135.2); short protein forms N385S, N384S, N78S.
Identifiers: ClinVar variation 2988 (VCV000002988.9), dbSNP rs120074123, ClinGen allele CA252519.

ClinVar aggregate classification (germline): Likely pathogenic. Review status: criteria provided, multiple submitters, no conflicts (2 of 4 stars). 4 submissions from 4 submitters: Likely pathogenic (3). 1 of the submissions does not count toward it. Last evaluated 2025-05-13.

Conditions:
Sphingomyelin/cholesterol lipidosis. Also called: Niemann-Pick disease. Identifiers: MedGen C0028064, MONDO:0001982.
Niemann-Pick disease, type B. Also called: Chronic Visceral ASMD (Niemann-Pick Disease Type B; NPD-B). Identifiers: Orphanet 77293, MedGen C0268243, MONDO:0011871, OMIM 607616. Disease mechanism: loss of function.
Niemann-Pick disease, type A. Also called: SPHINGOMYELIN LIPIDOSIS; SPHINGOMYELINASE DEFICIENCY; Infantile Neurovisceral ASMD (Niemann-Pick Disease Type A; NPD-A). Identifiers: Orphanet 77292, MedGen C0268242, MONDO:0009756, OMIM 257200. Disease mechanism: loss of function.

gnomAD v4.1: 1 of 1,613,864 alleles (0.000062%); highest among the groups gnomAD compares: Non-Finnish European, 0.000085%; no homozygotes.

Submissions (4):

Women's Health and Genetics/Laboratory Corporation of America, LabCorp
Classification: Likely pathogenic for Sphingomyelin/cholesterol lipidosis. Last evaluated: 2025-05-13. Review status: criteria provided, single submitter. Criteria: LabCorp Variant Classification Summary - May 2015. Collection method: clinical testing. Allele origin: germline.
Comment: Variant summary: SMPD1 c.1154A>G (p.Asn385Ser) results in a conservative amino acid change in the encoded protein sequence. Algorithms developed to predict the effect of missense changes on protein structure and function are either unavailable or do not agree on the potential impact of this missense change. The variant was absent in 249276 control chromosomes. c.1154A>G has been observed in a compound heterozygous individual affected with Niemann-Pick Disease (Takahashi_1992). At least one publication reports experimental evidence evaluating an impact on protein function. The most pronounced variant effect results in about 18% of wild type protein activity (Takahashi_1992). The following publications have been ascertained in the context of this evaluation (PMID: 1618760). ClinVar contains an entry for this variant (Variation ID: 2988). Based on the evidence outlined above, the variant was classified as likely pathogenic.

Labcorp Genetics (formerly Invitae), Labcorp
Classification: Likely pathogenic for Niemann-Pick disease, type B; Niemann-Pick disease, type A. Last evaluated: 2023-07-14. Review status: criteria provided, single submitter. Criteria: Invitae Variant Classification Sherloc (09022015). Collection method: clinical testing. Allele origin: germline.
Comment: Experimental studies have shown that this missense change affects SMPD1 function (PMID: 1618760). Advanced modeling of protein sequence and biophysical properties (such as structural, functional, and spatial information, amino acid conservation, physicochemical variation, residue mobility, and thermodynamic stability) performed at Invitae indicates that this missense variant is expected to disrupt SMPD1 protein function. ClinVar contains an entry for this variant (Variation ID: 2988). This variant is also known as N383S. This missense change has been observed in individual(s) with Niemann-Pick disease (PMID: 1618760, 33675270). This variant is not present in population databases (gnomAD no frequency). This sequence change replaces asparagine, which is neutral and polar, with serine, which is neutral and polar, at codon 385 of the SMPD1 protein (p.Asn385Ser). In summary, the currently available evidence indicates that the variant is pathogenic, but additional data are needed to prove that conclusively. Therefore, this variant has been classified as Likely Pathogenic. This variant disrupts the p.Asn385 amino acid residue in SMPD1. Other variant(s) that disrupt this residue have been determined to be pathogenic (Invitae). This suggests that this residue is clinically significant, and that variants that disrupt this residue are likely to be disease-causing.

Broad Center for Mendelian Genomics, Broad Institute of MIT and Harvard
Classification: Likely pathogenic for Sphingomyelin/cholesterol lipidosis. Last evaluated: 2020-01-22. Review status: criteria provided, single submitter. Criteria: ACMG Guidelines, 2015. Collection method: curation. Allele origin: germline. Inheritance: Autosomal recessive inheritance.
Comment: The p.Asn385Ser variant in SMPD1 (also known as p.Asn383Ser due to a difference in cDNA numbering) has been reported in at least 1 individual with Niemann-Pick disease (PMID: 26049896, 16010684, 1618760) and was absent from large population studies. This variant has also been reported in ClinVar (VariationID: 2988) as pathogenic by OMIM. In vitro functional studies provide some evidence that the p.Asn385Ser variant may impact protein function (PMID: 26499107, 1618760). However, these types of assays may not accurately represent biological function. Computational prediction tools and conservation analyses suggest that this variant may impact the protein, though this information is not predictive enough to determine pathogenicity. The p.Asn385Ser variant is located in a region of SMPD1 that is essential to protein folding and stability, suggesting that this variant is in a functional domain and supports pathogenicity (PMID: 26499107, 15557261). In summary, although additional studies are required to fully establish its clinical significance, this variant is likely pathogenic. ACMG/AMP Criteria applied: PS3, PM2, PM1, PP3 (Richards 2015).

OMIM
Classification: Pathogenic for NIEMANN-PICK DISEASE, TYPE B. Last evaluated: 1992-01-01. Review status: no assertion criteria provided. Collection method: literature only. Allele origin: germline. Not counted in ClinVar's aggregate classification.

Literature cited by the submitters: PubMed 1618760 (cited by 3 submitters); PubMed 33675270 (cited by Women's Health and Genetics/Laboratory Corporation of America, LabCorp and Labcorp Genetics (formerly Invitae), Labcorp); PubMed 26499107 (cited by Broad Center for Mendelian Genomics, Broad Institute of MIT and Harvard); PubMed 15557261 (cited by Broad Center for Mendelian Genomics, Broad Institute of MIT and Harvard); PubMed 1301192 (cited by OMIM).